The following is an entry in ClinVar:

ClinVar aggregate classification (germline): Uncertain significance (1 of 4 stars; one submission).

gnomAD v4.1: 1 of 1,613,626 alleles (0.000062%); highest among the groups gnomAD compares: Non-Finnish European, 0.000085%; no homozygotes.

Submission:

Labcorp Genetics (formerly Invitae), Labcorp
Classification: Uncertain significance. Last evaluated: 2024-03-26. Review status: criteria provided, single submitter. Criteria: Invitae Variant Classification Sherloc (09022015). Collection method: clinical testing. Allele origin: germline.
Comment: This sequence change replaces isoleucine, which is neutral and non-polar, with valine, which is neutral and non-polar, at codon 544 of the GHR protein (p.Ile544Val). This variant is not present in population databases (gnomAD no frequency). This variant has not been reported in the literature in individuals affected with GHR-related conditions. Advanced modeling of protein sequence and biophysical properties (such as structural, functional, and spatial information, amino acid conservation, physicochemical variation, residue mobility, and thermodynamic stability) performed at Invitae indicates that this missense variant is not expected to disrupt GHR protein function with a negative predictive value of 80%. In summary, the available evidence is currently insufficient to determine the role of this variant in disease. Therefore, it has been classified as a Variant of Uncertain Significance.

NM_000163.5(GHR):c.1630A>G (p.Ile544Val)

Gene: GHR (growth hormone receptor; plus strand). Cytogenetic location: 5p12.
Variant type: single nucleotide variant.
Coding change: c.1630A>G on transcript NM_000163.5 (MANE Select); coding-DNA position 1630, A replaced by G.
Protein change: p.Ile544Val; replaces isoleucine 544 with valine.
Molecular consequence: missense variant. On other transcripts: 3 prime UTR variant (1).
Genome position (GRCh38, 1-based): chr5:42,719,137, A>G. VCF-style: chr5-42719137-A-G. GRCh37 (hg19) VCF-style: chr5-42719239-A-G.
Other names: c.1630A>G, p.Ile544Val (NM_001242401.4, NM_001242406.2, NM_001242400.2 and 4 more transcripts); c.1564A>G, p.Ile522Val (NM_001242460.2); c.*672A>G (NM_001242462.1); c.1651A>G, p.Ile551Val (NM_001242399.2); short protein forms I544V, I551V, I522V.
Identifiers: ClinVar variation 3644513 (VCV003644513.2).